The following is an entry in ClinVar:

NM_014874.4(MFN2):c.1516C>T (p.Pro506Ser)

Gene: MFN2 (mitofusin 2; plus strand). Cytogenetic location: 1p36.22.
Variant type: single nucleotide variant.
Coding change: c.1516C>T on transcript NM_014874.4 (MANE Select); coding-DNA position 1516, C replaced by T.
Protein change: p.Pro506Ser; replaces proline 506 with serine.
Molecular consequence: missense variant.
Genome position (GRCh38, 1-based): chr1:12,005,731, C>T. VCF-style: chr1-12005731-C-T. GRCh37 (hg19) VCF-style: chr1-12065788-C-T.
Other names: c.1516C>T, p.Pro506Ser (NM_001127660.2); short protein forms P506S.
Identifiers: ClinVar variation 2074499 (VCV002074499.4), dbSNP rs1639378969, ClinGen allele CA338447863.

ClinVar aggregate classification (germline): Uncertain significance (1 of 4 stars; one submission).

Conditions:
Charcot-Marie-Tooth disease type 2. Also called: Charcot-Marie-Tooth type 2. Identifiers: Orphanet 64746, MedGen C0270914, MONDO:0018993.

Submission:

Labcorp Genetics (formerly Invitae), Labcorp
Classification: Uncertain significance for Charcot-Marie-Tooth disease type 2. Last evaluated: 2023-01-24. Review status: criteria provided, single submitter. Criteria: Invitae Variant Classification Sherloc (09022015). Collection method: clinical testing. Allele origin: germline.
Comment: This variant is not present in population databases (gnomAD no frequency). This sequence change replaces proline, which is neutral and non-polar, with serine, which is neutral and polar, at codon 506 of the MFN2 protein (p.Pro506Ser). This variant has not been reported in the literature in individuals affected with MFN2-related conditions. In summary, the available evidence is currently insufficient to determine the role of this variant in disease. Therefore, it has been classified as a Variant of Uncertain Significance. Advanced modeling of protein sequence and biophysical properties (such as structural, functional, and spatial information, amino acid conservation, physicochemical variation, residue mobility, and thermodynamic stability) has been performed at Invitae for this missense variant, however the output from this modeling did not meet the statistical confidence thresholds required to predict the impact of this variant on MFN2 protein function.